The following is an entry in ClinVar:

NM_004260.4(RECQL4):c.1778C>T (p.Ala593Val)

Gene: RECQL4 (RecQ like helicase 4; minus strand). Cytogenetic location: 8q24.3.
Variant type: single nucleotide variant.
Coding change: c.1778C>T on transcript NM_004260.4 (MANE Select); coding-DNA position 1778, C replaced by T.
Protein change: p.Ala593Val; replaces alanine 593 with valine.
Molecular consequence: missense variant.
Genome position (GRCh38, 1-based): chr8:144,514,289, G>A on the plus strand (C>T on the coding strand, the complement: RECQL4 is on the minus strand). VCF-style: chr8-144514289-G-A. GRCh37 (hg19) VCF-style: chr8-145739673-G-A.
Other names: c.1682C>T, p.Ala561Val (NM_001413017.1, NM_001413020.1); c.1778C>T, p.Ala593Val (NM_001413018.1, NM_001413019.1, NM_001413036.1); c.707C>T, p.Ala236Val (NM_001413021.1, NM_001413022.1, NM_001413023.1 and 6 more transcripts); c.1649C>T, p.Ala550Val (NM_001413025.1); c.641C>T, p.Ala214Val (NM_001413027.1, NM_001413030.1, NM_001413032.1 and 1 more transcripts); c.1427C>T, p.Ala476Val (NM_001413029.1); c.1748C>T, p.Ala583Val (NM_001413039.1); c.677C>T, p.Ala226Val (NM_001413042.1); and 2 more; short protein forms A561V, A593V, A214V, A550V, A583V, A226V, A236V, A476V.
Identifiers: ClinVar variation 2197276 (VCV002197276.7), dbSNP rs1286553686, ClinGen allele CA372680966.
Genomic context (GRCh38, chr8:144,514,289, plus strand): 5'-CACTGGGAGAGGCAGTGGGCCTCATCAATGCAGGCAAAAGCAACTGGAGGCAGCTGTGCG[G>A]CTGGAGGGAGGCCTCCCGCCCCCACCAGTGCCTCAGGTGTCAGCATCAGCACGTGTACCT-3'
Protein context (NP_004251.4, residues 583-603): ALVGAGGLPP[Ala593Val]AQLPPVAFAC

ClinVar aggregate classification (germline): Uncertain significance. Review status: criteria provided, multiple submitters, no conflicts (2 of 4 stars). 2 submissions from 2 submitters: Uncertain significance (2). Last evaluated 2025-10-14.

Conditions:
Inborn genetic diseases. Identifiers: MedGen C0950123, MeSH D030342.
Baller-Gerold syndrome (BGS). Also called: CRANIOSYNOSTOSIS WITH RADIAL DEFECTS. Identifiers: Orphanet 1225, MedGen C0265308, MONDO:0009039, OMIM 218600.

Allele frequency attached by ClinVar (database versions not stated): gnomAD 0.00001.
gnomAD v4.1: 2 of 1,611,166 alleles (0.00012%); highest among the groups gnomAD compares: African/African-American, 0.0027%; no homozygotes.

Submissions (2):

Ambry Genetics
Classification: Uncertain significance for Inborn genetic diseases. Last evaluated: 2025-10-14. Review status: criteria provided, single submitter. Criteria: Ambry Variant Classification Scheme 2023. Collection method: clinical testing. Allele origin: germline.
Comment: The p.A593V variant (also known as c.1778C>T), located in coding exon 11 of the RECQL4 gene, results from a C to T substitution at nucleotide position 1778. The alanine at codon 593 is replaced by valine, an amino acid with similar properties. This amino acid position is conserved. In addition, this alteration is predicted to be tolerated by in silico analysis. Based on the available evidence, the clinical significance of this variant remains unclear.

Labcorp Genetics (formerly Invitae), Labcorp
Classification: Uncertain significance for Baller-Gerold syndrome. Last evaluated: 2024-06-10. Review status: criteria provided, single submitter. Criteria: Invitae Variant Classification Sherloc (09022015). Collection method: clinical testing. Allele origin: germline.
Comment: This sequence change replaces alanine, which is neutral and non-polar, with valine, which is neutral and non-polar, at codon 593 of the RECQL4 protein (p.Ala593Val). This variant is present in population databases (no rsID available, gnomAD 0.01%). This variant has not been reported in the literature in individuals affected with RECQL4-related conditions. ClinVar contains an entry for this variant (Variation ID: 2197276). Advanced modeling of protein sequence and biophysical properties (such as structural, functional, and spatial information, amino acid conservation, physicochemical variation, residue mobility, and thermodynamic stability) performed at Invitae indicates that this missense variant is not expected to disrupt RECQL4 protein function with a negative predictive value of 80%. In summary, the available evidence is currently insufficient to determine the role of this variant in disease. Therefore, it has been classified as a Variant of Uncertain Significance.